The following is an entry in ClinVar:

ClinVar aggregate classification (germline): Conflicting classifications of pathogenicity. Review status: criteria provided, conflicting classifications (1 of 4 stars). 2 submissions from 2 submitters: Likely pathogenic (1); Uncertain significance (1). Last evaluated 2025-01-27.

Conditions:
Hereditary spastic paraplegia 11. Also called: Nakamura Osame syndrome; Autosomal recessive hereditary spastic paraplegia, mental impairment, and thin corpus callosum; SPASTIC PARAPLEGIA, AUTOSOMAL RECESSIVE, COMPLICATED, WITH THIN CORPUS CALLOSUM; SPASTIC PARAPLEGIA, AUTOSOMAL RECESSIVE, WITH MENTAL IMPAIRMENT AND THIN CORPUS CALLOSUM; Spastic Paraplegia 11; Spastic paraplegia, mental retardation and thin corpus callosum. Identifiers: Orphanet 2822, MedGen C1858479, MONDO:0011445, OMIM 604360.
Inborn genetic diseases. Identifiers: MedGen C0950123, MeSH D030342.

Submissions (2):

Labcorp Genetics (formerly Invitae), Labcorp
Classification: Likely pathogenic for Hereditary spastic paraplegia 11. Last evaluated: 2025-01-27. Review status: criteria provided, single submitter. Criteria: Invitae Variant Classification Sherloc (09022015). Collection method: clinical testing. Allele origin: germline.
Comment: This sequence change affects an acceptor splice site in intron 18 of the SPG11 gene. It is expected to disrupt RNA splicing. Variants that disrupt the donor or acceptor splice site typically lead to a loss of protein function (PMID: 16199547), and loss-of-function variants in SPG11 are known to be pathogenic (PMID: 19105190, 20110243, 22154821, 26556829). This variant is not present in population databases (gnomAD no frequency). This variant has not been reported in the literature in individuals affected with SPG11-related conditions. ClinVar contains an entry for this variant (Variation ID: 1729856). Algorithms developed to predict the effect of sequence changes on RNA splicing suggest that this variant may disrupt the consensus splice site. In summary, the currently available evidence indicates that the variant is pathogenic, but additional data are needed to prove that conclusively. Therefore, this variant has been classified as Likely Pathogenic.

Ambry Genetics
Classification: Uncertain significance for Inborn genetic diseases. Last evaluated: 2020-07-15. Review status: criteria provided, single submitter. Criteria: Ambry Variant Classification Scheme 2023. Collection method: clinical testing. Allele origin: germline.
Comment: The c.3292-1G>C intronic variant results from a G to C substitution one nucleotide upstream from coding exon 19 of the SPG11 gene. Alterations that disrupt the canonical splice site are expected to cause aberrant splicing, resulting in an abnormal protein or a transcript that is subject to nonsense-mediated mRNA decay. This nucleotide position is highly conserved in available vertebrate species. Using the BDGP and ESEfinder splice site prediction tools, this alteration is predicted to abolish the native splice acceptor site. These models also predict a strong cryptic acceptor site that, if utilized, would result in an in-frame transcript with unknown functional impact; however, direct evidence is unavailable. Since supporting evidence is limited at this time, the clinical significance of this alteration remains unclear.

Literature cited by the submitters: PubMed 16199547 (cited by Labcorp Genetics (formerly Invitae), Labcorp); PubMed 19105190 (cited by Labcorp Genetics (formerly Invitae), Labcorp); PubMed 20110243 (cited by Labcorp Genetics (formerly Invitae), Labcorp); PubMed 22154821 (cited by Labcorp Genetics (formerly Invitae), Labcorp); PubMed 26556829 (cited by Labcorp Genetics (formerly Invitae), Labcorp).

NM_025137.4(SPG11):c.3292-1G>C

Gene: SPG11 (SPG11 vesicle trafficking associated, spatacsin; minus strand). Cytogenetic location: 15q21.1.
Variant type: single nucleotide variant.
Coding change: c.3292-1G>C on transcript NM_025137.4 (MANE Select); the canonical splice acceptor site of the intron before coding-DNA position 3292, G replaced by C.
Molecular consequence: splice acceptor variant.
Genome position (GRCh38, 1-based): chr15:44,608,606, C>G on the plus strand (G>C on the coding strand, the complement: SPG11 is on the minus strand). VCF-style: chr15-44608606-C-G. GRCh37 (hg19) VCF-style: chr15-44900804-C-G.
Other names: c.3292-1G>C (NM_001411132.1, NM_001160227.2).
Identifiers: ClinVar variation 1729856 (VCV001729856.5), dbSNP rs201217015, ClinGen allele CA392225128.